The following is an entry in ClinVar:

NM_001142459.2(ASB10):c.281G>A (p.Arg94Gln)

Gene: ASB10 (ankyrin repeat and SOCS box containing 10; minus strand). Cytogenetic location: 7q36.1.
Variant type: single nucleotide variant.
Coding change: c.281G>A on transcript NM_001142459.2 (MANE Select); coding-DNA position 281, G replaced by A.
Protein change: p.Arg94Gln; replaces arginine 94 with glutamine.
Molecular consequence: missense variant. On other transcripts: intron variant (1).
Genome position (GRCh38, 1-based): chr7:151,186,850, C>T on the plus strand (G>A on the coding strand, the complement: ASB10 is on the minus strand). VCF-style: chr7-151186850-C-T. GRCh37 (hg19) VCF-style: chr7-150883937-C-T.
Other names: c.281G>A, p.Arg94Gln (NM_001142460.1); c.272-191G>A (NM_080871.4); short protein forms R94Q.
Identifiers: ClinVar variation 99976 (VCV000099976.3), dbSNP rs147737381, ClinGen allele CA150530.

ClinVar aggregate classification (germline): Likely benign. Review status: criteria provided, single submitter (1 of 4 stars). 2 submissions from 2 submitters: Likely benign (1). 1 of the submissions does not count toward it. Last evaluated 2018-12-10.

Conditions:
Glaucoma 1, open angle, F (GLC1F). Identifiers: MedGen C1863926, OMIM 603383, MONDO:0011311.

Allele frequency attached by ClinVar (database versions not stated): 1000 Genomes Project 30x 0.00016; 1000 Genomes Project 0.00020; gnomAD exomes 0.00027 and 0.00029; ExAC 0.00035; ESP Exome Variant Server 0.00062; gnomAD 0.00094 and 0.00103; TOPMed 0.00115.
gnomAD v4.1: 570 of 1,609,346 alleles (0.035%); highest among the groups gnomAD compares: African/African-American, 0.28%; no homozygotes.

Submissions (2):

GeneDx
Classification: Likely benign. Last evaluated: 2018-12-10. Review status: criteria provided, single submitter. Criteria: GeneDx Variant Classification Process June 2021. Collection method: clinical testing. Allele origin: germline. Affected: yes.
Comment: See Variant Classification Assertion Criteria.

Casey Eye Institute Glaucoma Genetics Lab 
No classification provided. Condition: Glaucoma 1, open angle, F. Review status: no classification provided. Collection method: not provided. Allele origin: not provided. Not counted in ClinVar's aggregate classification.